The following is an entry in ClinVar:

ClinVar aggregate classification (germline): Uncertain significance. Review status: criteria provided, multiple submitters, no conflicts (2 of 4 stars). 3 submissions from 3 submitters: Uncertain significance (3). Last evaluated 2025-07-09.

Conditions:
Hereditary cancer-predisposing syndrome. Also called: Neoplastic Syndromes, Hereditary; Tumor predisposition; Hereditary Cancer Syndrome; Hereditary neoplastic syndrome. Identifiers: Orphanet 140162, MedGen C0027672, MeSH D009386, MONDO:0015356.
Neuroblastoma, susceptibility to, 3. Also called: ALK-Related Neuroblastic Tumor Susceptibility. Identifiers: Orphanet 635, MedGen C2751681, MONDO:0013083, OMIM 613014.

Submissions (3):

Labcorp Genetics (formerly Invitae), Labcorp
Classification: Uncertain significance for Neuroblastoma, susceptibility to, 3. Last evaluated: 2025-07-09. Review status: criteria provided, single submitter. Criteria: Invitae Variant Classification Sherloc (09022015). Collection method: clinical testing. Allele origin: germline.
Comment: This sequence change replaces valine, which is neutral and non-polar, with leucine, which is neutral and non-polar, at codon 59 of the ALK protein (p.Val59Leu). This variant is not present in population databases (gnomAD no frequency). This variant has not been reported in the literature in individuals affected with ALK-related conditions. ClinVar contains an entry for this variant (Variation ID: 538245). An algorithm developed to predict the effect of missense changes on protein structure and function (PolyPhen-2) suggests that this variant is likely to be tolerated. In summary, the available evidence is currently insufficient to determine the role of this variant in disease. Therefore, it has been classified as a Variant of Uncertain Significance.

Ambry Genetics
Classification: Uncertain significance for Hereditary cancer-predisposing syndrome. Last evaluated: 2024-06-03. Review status: criteria provided, single submitter. Criteria: Ambry Variant Classification Scheme 2023. Collection method: clinical testing. Allele origin: germline.
Comment: The p.V59L variant (also known as c.175G>T), located in coding exon 1 of the ALK gene, results from a G to T substitution at nucleotide position 175. The valine at codon 59 is replaced by leucine, an amino acid with highly similar properties. This amino acid position is conserved. In addition, this alteration is predicted to be tolerated by in silico analysis. Since supporting evidence is limited at this time, the clinical significance of this alteration remains unclear.

GeneDx
Classification: Uncertain significance. Last evaluated: 2024-02-20. Review status: criteria provided, single submitter. Criteria: GeneDx Variant Classification Process June 2021. Collection method: clinical testing. Allele origin: germline. Affected: yes.
Comment: Not observed at significant frequency in large population cohorts (gnomAD); In silico analysis supports that this missense variant does not alter protein structure/function; Has not been previously published as pathogenic or benign to our knowledge

NM_004304.5(ALK):c.175G>T (p.Val59Leu)

Gene: ALK (ALK receptor tyrosine kinase; minus strand). Cytogenetic location: 2p23.1.
Variant type: single nucleotide variant.
Coding change: c.175G>T on transcript NM_004304.5 (MANE Select); coding-DNA position 175, G replaced by T.
Protein change: p.Val59Leu; replaces valine 59 with leucine.
Molecular consequence: missense variant.
Genome position (GRCh38, 1-based): chr2:29,920,485, C>A on the plus strand (G>T on the coding strand, the complement: ALK is on the minus strand). VCF-style: chr2-29920485-C-A. GRCh37 (hg19) VCF-style: chr2-30143351-C-A.
Other names: short protein forms V59L.
Identifiers: ClinVar variation 538245 (VCV000538245.13), dbSNP rs1553380428, ClinGen allele CA346590545.